The following is an entry in ClinVar:

ClinVar aggregate classification (germline): Likely pathogenic (1 of 4 stars; one submission).

Submission:

Labcorp Genetics (formerly Invitae), Labcorp
Classification: Likely pathogenic. Last evaluated: 2025-12-14. Review status: criteria provided, single submitter. Criteria: Invitae Variant Classification Sherloc (09022015). Collection method: clinical testing. Allele origin: germline.
Comment: This sequence change affects a donor splice site in intron 18 of the RARS2 gene. It is expected to disrupt RNA splicing. Variants that disrupt the donor or acceptor splice site typically lead to a loss of protein function (PMID: 16199547), and loss-of-function variants in RARS2 are known to be pathogenic (PMID: 17847012, 22569581, 26083569). This variant is not present in population databases (gnomAD no frequency). This variant has not been reported in the literature in individuals affected with RARS2-related conditions. Algorithms developed to predict the effect of sequence changes on RNA splicing suggest that this variant may disrupt the consensus splice site. In summary, the currently available evidence indicates that the variant is pathogenic, but additional data are needed to prove that conclusively. Therefore, this variant has been classified as Likely Pathogenic.

Literature cited by the submitters: PubMed 16199547; PubMed 17847012; PubMed 22569581; PubMed 26083569.

NM_020320.5(RARS2):c.1586+1G>A

Gene: RARS2 (arginyl-tRNA synthetase 2, mitochondrial; minus strand). Cytogenetic location: 6q15.
Variant type: single nucleotide variant.
Coding change: c.1586+1G>A on transcript NM_020320.5 (MANE Select); the canonical splice donor site of the intron after coding-DNA position 1586, G replaced by A.
Molecular consequence: splice donor variant.
Genome position (GRCh38, 1-based): chr6:87,516,805, C>T on the plus strand (G>A on the coding strand, the complement: RARS2 is on the minus strand). VCF-style: chr6-87516805-C-T. GRCh37 (hg19) VCF-style: chr6-88226523-C-T.
Other names: c.1586+1G>A (NM_001350505.2); c.1061+1G>A (NM_001350509.2, NM_001318785.2, NM_001350506.2 and 4 more transcripts).
Identifiers: ClinVar variation 4799683 (VCV004799683.1).
Genomic context (GRCh38, chr6:87,516,805, plus strand): 5'-TTAGATGAAAGAAAGGTCTCAAATGCCATTAACACCTGAAAACAGGAAGATTATAAAGTA[C>T]CTTAAAGTTAGAAGGTAACTGACGATATGCCTGGGTTGAAAGTCCTGAGATGATTTATAA-3'